The following is an entry in ClinVar:

NM_001004127.3(ALG11):c.-9C>T

Genes: ALG11 (ALG11 alpha-1,2-mannosyltransferase; plus strand), LOC130009841 (ATAC-STARR-seq lymphoblastoid active region 7785; plus strand). Cytogenetic location: 13q14.3.
Variant type: single nucleotide variant.
Coding change: c.-9C>T on transcript NM_001004127.3 (MANE Select); 9 bases upstream of the start codon, C replaced by T.
Molecular consequence: 5 prime UTR variant. On other transcripts: non-coding transcript variant (1).
Genome position (GRCh38, 1-based): chr13:52,012,410, C>T. VCF-style: chr13-52012410-C-T. GRCh37 (hg19) VCF-style: chr13-52586546-C-T.
Identifiers: ClinVar variation 3055208 (VCV003055208.2), dbSNP rs2547333502, ClinGen allele CA655063969.
Genomic context (GRCh38, chr13:52,012,410, plus strand): 5'-CTTGCTTTCTCAGGAGCCAATAGGGAAAAGGAAAGTGAAGCGTTTCCTGAGTTCGGGGGT[C>T]GGCGGAAGATGGCGGCCGGCGAAAGGAGCTGGTGCCTGTGCAAGTTGTTGAGGTGAGCAG-3'

ClinVar aggregate classification (germline): Likely benign (0 of 4 stars; one submission).

Conditions:
ALG11-related disorder. Also called: ALG11-related condition.

Allele frequency attached by ClinVar (database versions not stated): gnomAD exomes below 0.00001.

Submission:

PreventionGenetics, part of Exact Sciences
Classification: Likely benign for ALG11-related condition. Last evaluated: 2020-04-20. Review status: no assertion criteria provided. Collection method: clinical testing. Allele origin: germline.
Comment: This variant is classified as likely benign based on ACMG/AMP sequence variant interpretation guidelines (Richards et al. 2015 PMID: 25741868, with internal and published modifications).